The following is an entry in ClinVar:

ClinVar aggregate classification (germline): Uncertain significance (1 of 4 stars; one submission).

Conditions:
Cardiovascular phenotype. Identifiers: MedGen CN230736.

Submission:

Ambry Genetics
Classification: Uncertain significance for Cardiovascular phenotype. Last evaluated: 2025-06-09. Review status: criteria provided, single submitter. Criteria: Ambry Variant Classification Scheme 2023. Collection method: clinical testing. Allele origin: germline.
Comment: The p.G559S variant (also known as c.1675G>A), located in coding exon 13 of the MYH6 gene, results from a G to A substitution at nucleotide position 1675. The glycine at codon 559 is replaced by serine, an amino acid with similar properties. This amino acid position is conserved. In addition, the in silico prediction for this alteration is inconclusive. Based on the available evidence, the clinical significance of this variant remains unclear.

NM_002471.4(MYH6):c.1675G>A (p.Gly559Ser)

Gene: MYH6 (myosin heavy chain 6; minus strand). Cytogenetic location: 14q11.2.
Variant type: single nucleotide variant.
Coding change: c.1675G>A on transcript NM_002471.4 (MANE Select); coding-DNA position 1675, G replaced by A.
Protein change: p.Gly559Ser; replaces glycine 559 with serine.
Molecular consequence: missense variant.
Genome position (GRCh38, 1-based): chr14:23,398,944, C>T on the plus strand (G>A on the coding strand, the complement: MYH6 is on the minus strand). VCF-style: chr14-23398944-C-T. GRCh37 (hg19) VCF-style: chr14-23868153-C-T.
Other names: short protein forms G559S.
Identifiers: ClinVar variation 3915609 (VCV003915609.1).